The following is an entry in ClinVar:

ClinVar aggregate classification (germline): Uncertain significance. Review status: criteria provided, single submitter (1 of 4 stars). 3 submissions from 2 submitters: Uncertain significance (1). 2 of the submissions do not count toward it. Last evaluated 2024-07-10.

Conditions:
Erythrocytosis, familial, 6. Also called: ERYTHROCYTOSIS, BETA-GLOBIN TYPE; POLYCYTHEMIA, BETA-GLOBIN TYPE. Identifiers: MedGen C4693822, MONDO:0054801, OMIM 617980.
HEMOGLOBIN OHIO.

Submissions (3):

Quest Diagnostics Nichols Institute San Juan Capistrano
Classification: Uncertain significance. Last evaluated: 2024-07-10. Review status: criteria provided, single submitter. Criteria: Quest Diagnostics criteria. Collection method: clinical testing. Allele origin: unknown.
Comment: The HBB c.428C>A (p.Ala143Asp) variant has been reported in the published literature in an individual with erythrocytosis (PMID: 7397380 (1980)). This variant has also been reported to have increased oxygen affinity (PMID: 7397380 (1990)). This variant has not been reported in large, multi-ethnic general populations (Genome Aggregation Database). Analysis of this variant using bioinformatics tools for the prediction of the effect of amino acid changes on protein structure and function yielded predictions that this variant is damaging. Based on the available information, we are unable to determine the clinical significance of this variant.

OMIM
Classification: other for HEMOGLOBIN OHIO. Last evaluated: 2017-12-12. Review status: no assertion criteria provided. Collection method: literature only. Allele origin: germline. Not counted in ClinVar's aggregate classification.

OMIM
Classification: Pathogenic for ERYTHROCYTOSIS 6. Last evaluated: 1988-10-04. Review status: no assertion criteria provided. Collection method: literature only. Allele origin: germline. Not counted in ClinVar's aggregate classification.

Literature cited by the submitters: PubMed 19429541 (cited by Quest Diagnostics Nichols Institute San Juan Capistrano); PubMed 24200101 (cited by Quest Diagnostics Nichols Institute San Juan Capistrano); PubMed 7397380 (cited by Quest Diagnostics Nichols Institute San Juan Capistrano); PubMed 3207692 (cited by OMIM).

NM_000518.4(HBB):c.428C>A (p.Ala143Asp)

Genes: HBB (hemoglobin subunit beta; minus strand), LOC107133510 (origin of replication at HBB; plus strand), LOC110006319 (beta-globin gene 3' regulatory region; plus strand). Cytogenetic location: 11p15.4.
Variant type: single nucleotide variant.
Coding change: c.428C>A on transcript NM_000518.4; coding-DNA position 428, C replaced by A.
Protein change: p.Ala143Asp; replaces alanine 143 with aspartic acid.
Molecular consequence: missense variant (on NM_000518.5).
Genome position (GRCh38, 1-based): chr11:5,225,614, G>T on the plus strand (C>A on the coding strand, the complement: HBB is on the minus strand). VCF-style: chr11-5225614-G-T. GRCh37 (hg19) VCF-style: chr11-5246844-G-T.
Other names: A142D; c.428C>A, p.Ala143Asp (NM_000518.5); short protein forms A143D.
Identifiers: ClinVar variation 15294 (VCV000015294.4), dbSNP rs33921821, ClinGen allele CA125074.